The following is an entry in ClinVar:

NM_000264.5(PTCH1):c.882C>G (p.Arg294=)

Gene: PTCH1 (patched 1; minus strand). Cytogenetic location: 9q22.32.
Variant type: single nucleotide variant.
Coding change: c.882C>G on transcript NM_000264.5 (MANE Select); coding-DNA position 882, C replaced by G.
Protein change: p.Arg294=; no amino-acid change (arginine 294 retained).
Molecular consequence: synonymous variant. On other transcripts: non-coding transcript variant (1).
Genome position (GRCh38, 1-based): chr9:95,480,453, G>C on the plus strand (C>G on the coding strand, the complement: PTCH1 is on the minus strand). VCF-style: chr9-95480453-G-C. GRCh37 (hg19) VCF-style: chr9-98242735-G-C.
Other names: c.684C>G, p.Arg228= (NM_001083602.3); c.879C>G, p.Arg293= (NM_001083603.3); c.429C>G, p.Arg143= (NM_001083604.3, NM_001083605.3, NM_001083606.3 and 1 more transcripts); c.882C>G, p.Arg294= (NM_001354918.2).
Identifiers: ClinVar variation 4085730 (VCV004085730.8).
Genomic context (GRCh38, chr9:95,480,453, plus strand): 5'-GGTTGAATTTTTGTTGGGGGCTGTGGCGGGGCAGTCTGGATCGGCCGGATTGAGGCAGGG[G>C]CGGTCCATGTAACCATGACCAACCTCAGCCTTATTCAGCATTTCCTCCCAGCTGTCCACT-3'
Protein context (NP_000255.2, residues 284-304): KAEVGHGYMD[Arg294=]PCLNPADPDC

ClinVar aggregate classification (germline): Likely benign. Review status: criteria provided, multiple submitters, no conflicts (2 of 4 stars). 2 submissions from 2 submitters: Likely benign (2). Last evaluated 2026-02-03.

Conditions:
Hereditary cancer-predisposing syndrome. Also called: Hereditary Cancer Syndrome; Neoplastic Syndromes, Hereditary; Tumor predisposition; Hereditary neoplastic syndrome. Identifiers: Orphanet 140162, MedGen C0027672, MeSH D009386, MONDO:0015356.

Submissions (2):

Ambry Genetics
Classification: Likely benign for Hereditary cancer-predisposing syndrome. Last evaluated: 2026-02-03. Review status: criteria provided, single submitter. Criteria: Ambry Variant Classification Scheme 2023. Collection method: clinical testing. Allele origin: germline.

CeGaT Center for Human Genetics Tuebingen
Classification: Likely benign. Last evaluated: 2025-08-01. Review status: criteria provided, single submitter. Criteria: CeGaT Center For Human Genetics Tuebingen Variant Classification Criteria Version 2. Collection method: clinical testing. Allele origin: germline. Affected: yes. Observed: 1 variant allele.
Comment: PTCH1: PM2:Supporting, BP4, BP7